The following is an entry in ClinVar:

ClinVar aggregate classification (germline): Conflicting classifications of pathogenicity. Review status: criteria provided, conflicting classifications (1 of 4 stars). 4 submissions from 4 submitters: Uncertain significance (3); Likely benign (1). Last evaluated 2026-04-13.

Conditions:
DYNC2H1-related disorder. Also called: DYNC2H1-related condition; DYNC2H1-related disorders. Identifiers: MedGen CN378770.
Inborn genetic diseases. Identifiers: MedGen C0950123, MeSH D030342.
Jeune thoracic dystrophy. Also called: Jeune syndrome; Infantile thoracic dystrophy; Thoracic pelvic phalangeal dystrophy; Jeune's syndrome; Chondroectodermal dysplasia-like syndrome; Short-rib thoracic dysplasia. Identifiers: Orphanet 474, MedGen C0265275, MONDO:0018770.

Allele frequency attached by ClinVar (database versions not stated): ESP Exome Variant Server 0.00034; TOPMed 0.00045.
gnomAD v4.1: 87 of 1,613,632 alleles (0.0054%); highest among the groups gnomAD compares: African/African-American, 0.1%; no homozygotes.

Submissions (4):

Ambry Genetics
Classification: Uncertain significance for Inborn genetic diseases. Last evaluated: 2026-04-13. Review status: criteria provided, single submitter. Criteria: Ambry Variant Classification Scheme 2023. Collection method: clinical testing. Allele origin: germline.

Labcorp Genetics (formerly Invitae), Labcorp
Classification: Likely benign for Jeune thoracic dystrophy. Last evaluated: 2026-01-24. Review status: criteria provided, single submitter. Criteria: Invitae Variant Classification Sherloc (09022015). Collection method: clinical testing. Allele origin: germline.

PreventionGenetics, part of Exact Sciences
Classification: Uncertain significance for DYNC2H1-related condition. Last evaluated: 2025-04-11. Review status: criteria provided, single submitter. Criteria: ACMG Guidelines, 2015. Collection method: clinical testing. Allele origin: germline.
Comment: The DYNC2H1 c.3794G>T variant is predicted to result in the amino acid substitution p.Arg1265Leu. To our knowledge, this variant has not been reported in the literature. This variant is reported in 0.11% of alleles in individuals of African descent in gnomAD. Although we suspect that this variant may be benign, at this time, the clinical significance of this variant is uncertain due to the absence of conclusive functional and genetic evidence.

Blueprint Genetics
Classification: Uncertain significance. Last evaluated: 2023-10-24. Review status: criteria provided, single submitter. Criteria: ACMG Guidelines, 2015. Collection method: clinical testing. Allele origin: germline.

NM_001377.3(DYNC2H1):c.3794G>T (p.Arg1265Leu)

Gene: DYNC2H1 (dynein cytoplasmic 2 heavy chain 1; plus strand). Cytogenetic location: 11q22.3.
Variant type: single nucleotide variant.
Coding change: c.3794G>T on transcript NM_001377.3 (MANE Select); coding-DNA position 3794, G replaced by T.
Protein change: p.Arg1265Leu; replaces arginine 1265 with leucine.
Molecular consequence: missense variant.
Genome position (GRCh38, 1-based): chr11:103,156,437, G>T. VCF-style: chr11-103156437-G-T. GRCh37 (hg19) VCF-style: chr11-103027166-G-T.
Other names: c.3794G>T, p.Arg1265Leu (NM_001080463.2); short protein forms R1265L.
Identifiers: ClinVar variation 839305 (VCV000839305.9), dbSNP rs200635842, ClinGen allele CA6253417.